The following is an entry in ClinVar:

ClinVar aggregate classification (germline): Pathogenic (1 of 4 stars; one submission).

Submission:

Labcorp Genetics (formerly Invitae), Labcorp
Classification: Pathogenic. Last evaluated: 2022-07-21. Review status: criteria provided, single submitter. Criteria: Invitae Variant Classification Sherloc (09022015). Collection method: clinical testing. Allele origin: germline.
Comment: For these reasons, this variant has been classified as Pathogenic. Algorithms developed to predict the effect of sequence changes on RNA splicing suggest that this variant may create or strengthen a splice site. This variant has not been reported in the literature in individuals affected with TYMP-related conditions. This variant is not present in population databases (gnomAD no frequency). This sequence change creates a premature translational stop signal (p.Pro31Thrfs*12) in the TYMP gene. It is expected to result in an absent or disrupted protein product. Loss-of-function variants in TYMP are known to be pathogenic (PMID: 9924029, 15781193).

Literature cited by the submitters: PubMed 9924029; PubMed 15781193.

NM_001953.5(TYMP):c.83_90dup (p.Pro31fs)

Gene: TYMP (thymidine phosphorylase; minus strand). Cytogenetic location: 22q13.33.
Variant type: Duplication.
Coding change: c.83_90dup on transcript NM_001953.5 (MANE Select); coding-DNA positions 83 to 90, 8 bases duplicated (ACCCTTCG; older notation c.83_90dupACCCTTCG).
Protein change: p.Pro31fs; shifts the reading frame from proline 31.
Molecular consequence: frameshift variant.
Genome position (GRCh38, 1-based): chr22:50,529,620-50,529,627, CGAAGGGT duplicated on the plus strand (ACCCTTCG on the coding strand, the reverse complement: TYMP is on the minus strand); duplicating any 8 consecutive bases within chr22:50,529,620-50,529,629 gives the same sequence; the c. name uses the placement nearest the transcript's 3' end. VCF-style (leftmost placement, unchanged base first): chr22-50529619-G-GCGAAGGGT. GRCh37 (hg19) VCF-style: chr22-50968048-G-GCGAAGGGT.
Other names: c.83_90dup, p.Pro31fs (NM_001113755.3, NM_001113756.3, NM_001257988.1 and 1 more transcripts); short protein forms P31fs.
Identifiers: ClinVar variation 2004761 (VCV002004761.4), dbSNP rs2522551530, ClinGen allele CA2580100049.